The following is an entry in ClinVar:

NM_001754.5(RUNX1):c.645G>T (p.Lys215Asn)

Gene: RUNX1 (RUNX family transcription factor 1; minus strand). Cytogenetic location: 21q22.12.
Variant type: single nucleotide variant.
Coding change: c.645G>T on transcript NM_001754.5 (MANE Select); coding-DNA position 645, G replaced by T.
Protein change: p.Lys215Asn; replaces lysine 215 with asparagine.
Molecular consequence: missense variant.
Genome position (GRCh38, 1-based): chr21:34,834,570, C>A on the plus strand (G>T on the coding strand, the complement: RUNX1 is on the minus strand). VCF-style: chr21-34834570-C-A. GRCh37 (hg19) VCF-style: chr21-36206867-C-A.
Other names: NM_001754.5(RUNX1):c.645G>T; p.Lys215Asn; c.564G>T, p.Lys188Asn (NM_001001890.3, NM_001122607.2); short protein forms K215N, K188N.
Identifiers: ClinVar variation 936839 (VCV000936839.11), dbSNP rs1312588693, ClinGen allele CA410207064.

ClinVar aggregate classification (germline): Uncertain significance. Review status: reviewed by expert panel (3 of 4 stars). 3 submissions from 3 submitters: Uncertain significance (1). 2 of the submissions do not count toward it. Last evaluated 2024-10-29.

Conditions:
Inborn genetic diseases. Identifiers: MedGen C0950123, MeSH D030342.
Hereditary thrombocytopenia and hematological cancer predisposition syndrome associated with RUNX1. Also called: PLATELET DISORDER, ASPIRIN-LIKE; RUNX1 Familial Platelet Disorder with Associated Myeloid Malignancies; Familial Platelet Disorder with Propensity to Acute Myelogenous Leukemia; Familial thrombocytopenia with propensity to acute myelogenous leukemia. Identifiers: Orphanet 71290, MedGen C1832388, MeSH C563324, MONDO:0100083, OMIM 601399.
Hereditary thrombocytopenia and hematologic cancer predisposition syndrome. Identifiers: Orphanet 71290, MedGen CN281654, MONDO:0011071.

Submissions (3):

ClinGen Myeloid Malignancy Variant Curation Expert Panel
Classification: Uncertain significance for Hereditary thrombocytopenia and hematologic cancer predisposition syndrome. Last evaluated: 2024-10-29. Review status: reviewed by expert panel. Criteria: ClinGen MyeloMalig ACMG Specifications v2. Collection method: curation. Allele origin: germline. Inheritance: Autosomal dominant inheritance.
Comment: NM_001754.5(RUNX1):c.645G>T (p.Lys215Asn) is a missense variant which is absent from both gnomAD v2.1 and gnomAD v3.1.2 (PM2_supporting). This variant has not been reported in any proband meeting at least one of the RUNX1-phenotypic criteria. In summary, this variant meets the criteria to be classified as a variant of uncertain significance. ACMG/AMP criteria applied, as specified by the Myeloid Malignancy Variant Curation Expert Panel for RUNX1: PM2_supporting.

Ambry Genetics
Classification: Uncertain significance for Inborn genetic diseases. Last evaluated: 2026-07-02. Review status: criteria provided, single submitter. Criteria: Ambry Variant Classification Scheme 2023. Collection method: clinical testing. Allele origin: germline. Not counted in ClinVar's aggregate classification.
Comment: The p.K215N variant (also known as c.645G>T), located in coding exon 6 of the RUNX1 gene, results from a G to T substitution at nucleotide position 645. The lysine at codon 215 is replaced by asparagine, an amino acid with similar properties. This amino acid position is conserved. In addition, the in silico prediction for this alteration is inconclusive. Based on the available evidence, the clinical significance of this variant remains unclear.

Labcorp Genetics (formerly Invitae), Labcorp
Classification: Uncertain significance for Hereditary thrombocytopenia and hematological cancer predisposition syndrome associated with RUNX1. Last evaluated: 2025-11-24. Review status: criteria provided, single submitter. Criteria: Invitae Variant Classification Sherloc (09022015). Collection method: clinical testing. Allele origin: germline. Not counted in ClinVar's aggregate classification.
Comment: This sequence change replaces lysine, which is basic and polar, with asparagine, which is neutral and polar, at codon 215 of the RUNX1 protein (p.Lys215Asn). This variant is not present in population databases (gnomAD no frequency). This variant has not been reported in the literature in individuals affected with RUNX1-related conditions. ClinVar contains an entry for this variant (Variation ID: 936839). Invitae Evidence Modeling of protein sequence and biophysical properties (such as structural, functional, and spatial information, amino acid conservation, physicochemical variation, residue mobility, and thermodynamic stability) has been performed for this missense variant. However, the output from this modeling did not meet the statistical confidence thresholds required to predict the impact of this variant on RUNX1 protein function. In summary, the available evidence is currently insufficient to determine the role of this variant in disease. Therefore, it has been classified as a Variant of Uncertain Significance.